The following is an entry in ClinVar:

NM_006265.3(RAD21):c.1134G>A (p.Gln378=)

Gene: RAD21 (RAD21 cohesin complex component; minus strand). Cytogenetic location: 8q24.11.
Variant type: single nucleotide variant.
Coding change: c.1134G>A on transcript NM_006265.3 (MANE Select); coding-DNA position 1134, G replaced by A.
Protein change: p.Gln378=; no amino-acid change (glutamine 378 retained).
Molecular consequence: synonymous variant.
Genome position (GRCh38, 1-based): chr8:116,854,272, C>T on the plus strand (G>A on the coding strand, the complement: RAD21 is on the minus strand). VCF-style: chr8-116854272-C-T. GRCh37 (hg19) VCF-style: chr8-117866511-C-T.
Identifiers: ClinVar variation 3054602 (VCV003054602.2), dbSNP rs1456997373, ClinGen allele CA462654649.

ClinVar aggregate classification (germline): Likely benign (0 of 4 stars; one submission).

Conditions:
RAD21-related disorder. Also called: RAD21- Related disorders; RAD21-related condition.

Allele frequency attached by ClinVar (database versions not stated): gnomAD exomes below 0.00001; gnomAD 0.00001.

Submission:

PreventionGenetics, part of Exact Sciences
Classification: Likely benign for RAD21-related condition. Last evaluated: 2023-02-16. Review status: no assertion criteria provided. Collection method: clinical testing. Allele origin: germline.
Comment: This variant is classified as likely benign based on ACMG/AMP sequence variant interpretation guidelines (Richards et al. 2015 PMID: 25741868, with internal and published modifications).